The following is an entry in ClinVar:

NM_018941.4(CLN8):c.59C>T (p.Ser20Phe)

Gene: CLN8 (CLN8 transmembrane ER and ERGIC protein; plus strand). Cytogenetic location: 8p23.3.
Variant type: single nucleotide variant.
Coding change: c.59C>T on transcript NM_018941.4 (MANE Select); coding-DNA position 59, C replaced by T.
Protein change: p.Ser20Phe; replaces serine 20 with phenylalanine.
Molecular consequence: missense variant.
Genome position (GRCh38, 1-based): chr8:1,771,113, C>T. VCF-style: chr8-1771113-C-T. GRCh37 (hg19) VCF-style: chr8-1719279-C-T.
Other names: short protein forms S20F.
Identifiers: ClinVar variation 1442771 (VCV001442771.3), dbSNP rs749651452, ClinGen allele CA170445605.

ClinVar aggregate classification (germline): Uncertain significance (1 of 4 stars; one submission).

Conditions:
Neuronal ceroid lipofuscinosis. Also called: Neuronal Ceroid Lipofuscinoses. Identifiers: Orphanet 216, Orphanet 79263, MedGen C0027877, MONDO:0016295. Disease mechanism: loss of function.

gnomAD v4.1: 27 of 1,614,008 alleles (0.0017%); highest among the groups gnomAD compares: Non-Finnish European, 0.0021%; no homozygotes.

Submission:

Labcorp Genetics (formerly Invitae), Labcorp
Classification: Uncertain significance for Neuronal ceroid lipofuscinosis. Last evaluated: 2022-07-19. Review status: criteria provided, single submitter. Criteria: Invitae Variant Classification Sherloc (09022015). Collection method: clinical testing. Allele origin: germline.
Comment: This sequence change replaces serine, which is neutral and polar, with phenylalanine, which is neutral and non-polar, at codon 20 of the CLN8 protein (p.Ser20Phe). This variant is not present in population databases (gnomAD no frequency). This variant has not been reported in the literature in individuals affected with CLN8-related conditions. ClinVar contains an entry for this variant (Variation ID: 1442771). Algorithms developed to predict the effect of missense changes on protein structure and function are either unavailable or do not agree on the potential impact of this missense change (SIFT: "Tolerated"; PolyPhen-2: "Possibly Damaging"; Align-GVGD: "Class C0"). In summary, the available evidence is currently insufficient to determine the role of this variant in disease. Therefore, it has been classified as a Variant of Uncertain Significance.